The following is an entry in ClinVar:

ClinVar aggregate classification (germline): Uncertain significance (1 of 4 stars; one submission).

Submission:

Labcorp Genetics (formerly Invitae), Labcorp
Classification: Uncertain significance. Last evaluated: 2022-06-27. Review status: criteria provided, single submitter. Criteria: Invitae Variant Classification Sherloc (09022015). Collection method: clinical testing. Allele origin: germline.
Comment: In summary, the available evidence is currently insufficient to determine the role of this variant in disease. Therefore, it has been classified as a Variant of Uncertain Significance. Algorithms developed to predict the effect of missense changes on protein structure and function output the following: SIFT: "Tolerated"; PolyPhen-2: "Benign"; Align-GVGD: "Class C0". The serine amino acid residue is found in multiple mammalian species, which suggests that this missense change does not adversely affect protein function. This variant has not been reported in the literature in individuals affected with SZT2-related conditions. This variant is not present in population databases (gnomAD no frequency). This sequence change replaces threonine, which is neutral and polar, with serine, which is neutral and polar, at codon 1212 of the SZT2 protein (p.Thr1212Ser).

NM_001365999.1(SZT2):c.3806C>G (p.Thr1269Ser)

Gene: SZT2 (SZT2 subunit of KICSTOR complex; plus strand). Cytogenetic location: 1p34.2.
Variant type: single nucleotide variant.
Coding change: c.3806C>G on transcript NM_001365999.1 (MANE Select); coding-DNA position 3806, C replaced by G.
Protein change: p.Thr1269Ser; replaces threonine 1269 with serine.
Molecular consequence: missense variant.
Genome position (GRCh38, 1-based): chr1:43,428,005, C>G. VCF-style: chr1-43428005-C-G. GRCh37 (hg19) VCF-style: chr1-43893676-C-G.
Other names: c.3635C>G, p.Thr1212Ser (NM_015284.4); short protein forms T1212S, T1269S.
Identifiers: ClinVar variation 1997416 (VCV001997416.4), dbSNP rs2545820984, ClinGen allele CA340019350.